The following is an entry in ClinVar:

NM_004448.4(ERBB2):c.1138A>G (p.Ser380Gly)

Gene: ERBB2 (erb-b2 receptor tyrosine kinase 2; plus strand). Cytogenetic location: 17q12.
Variant type: single nucleotide variant.
Coding change: c.1138A>G on transcript NM_004448.4 (MANE Select); coding-DNA position 1138, A replaced by G.
Protein change: p.Ser380Gly; replaces serine 380 with glycine.
Molecular consequence: missense variant. On other transcripts: non-coding transcript variant (1).
Genome position (GRCh38, 1-based): chr17:39,712,438, A>G. VCF-style: chr17-39712438-A-G. GRCh37 (hg19) VCF-style: chr17-37868691-A-G.
Other names: c.1138A>G (NM_004448.2); c.1048A>G, p.Ser350Gly (NM_001005862.3, NM_001289938.2, NM_001382782.1 and 1 more transcripts); c.1093A>G, p.Ser365Gly (NM_001289936.2); c.1138A>G, p.Ser380Gly (NM_001289937.2, NM_001382784.1, NM_001382785.1 and 16 more transcripts); c.1213A>G, p.Ser405Gly (NM_001382787.1); c.958A>G, p.Ser320Gly (NM_001382799.1); c.880A>G, p.Ser294Gly (NM_001382802.1); c.310A>G, p.Ser104Gly (NM_001382804.1); and 1 more; short protein forms S350G, S365G, S377G, S104G, S294G, S380G, S405G, S320G.
Identifiers: ClinVar variation 1034734 (VCV001034734.9), dbSNP rs148068883, ClinGen allele CA8533870.

ClinVar aggregate classification (germline): Uncertain significance. Review status: criteria provided, multiple submitters, no conflicts (2 of 4 stars). 2 submissions from 2 submitters: Uncertain significance (2). Last evaluated 2022-07-05.

Allele frequency attached by ClinVar (database versions not stated): gnomAD exomes 0.00002 and 0.00003; ExAC 0.00003; gnomAD 0.00003; TOPMed 0.00003; ESP Exome Variant Server 0.00008.
gnomAD v4.1: 39 of 1,613,572 alleles (0.0024%); highest among the groups gnomAD compares: Non-Finnish European, 0.0032%; no homozygotes.

Submissions (2):

Labcorp Genetics (formerly Invitae), Labcorp
Classification: Uncertain significance. Last evaluated: 2022-07-05. Review status: criteria provided, single submitter. Criteria: Invitae Variant Classification Sherloc (09022015). Collection method: clinical testing. Allele origin: germline.
Comment: In summary, the available evidence is currently insufficient to determine the role of this variant in disease. Therefore, it has been classified as a Variant of Uncertain Significance. Algorithms developed to predict the effect of missense changes on protein structure and function are either unavailable or do not agree on the potential impact of this missense change (SIFT: "Deleterious"; PolyPhen-2: "Possibly Damaging"; Align-GVGD: "Class C0"). ClinVar contains an entry for this variant (Variation ID: 1034734). This variant has not been reported in the literature in individuals affected with ERBB2-related conditions. This variant is present in population databases (rs148068883, gnomAD 0.007%). This sequence change replaces serine, which is neutral and polar, with glycine, which is neutral and non-polar, at codon 380 of the ERBB2 protein (p.Ser380Gly).

Ambry Genetics
Classification: Uncertain significance. Last evaluated: 2021-07-20. Review status: criteria provided, single submitter. Criteria: Ambry Variant Classification Scheme 2023. Collection method: clinical testing. Allele origin: germline.